The following is an entry in ClinVar:

ClinVar aggregate classification (germline): Pathogenic (1 of 4 stars; one submission).

Conditions:
Fanconi anemia (FA). Also called: Fanconi's anemia. Identifiers: Orphanet 84, MedGen C0015625, MeSH D005199, MONDO:0019391.

Submission:

Labcorp Genetics (formerly Invitae), Labcorp
Classification: Pathogenic for Fanconi anemia. Last evaluated: 2022-05-13. Review status: criteria provided, single submitter. Criteria: Invitae Variant Classification Sherloc (09022015). Collection method: clinical testing. Allele origin: germline.
Comment: This variant is not present in population databases (gnomAD no frequency). For these reasons, this variant has been classified as Pathogenic. This variant has not been reported in the literature in individuals affected with FANCI-related conditions. This sequence change creates a premature translational stop signal (p.Arg954Asnfs*17) in the FANCI gene. It is expected to result in an absent or disrupted protein product. Loss-of-function variants in FANCI are known to be pathogenic (PMID: 17452773, 17460694).

Literature cited by the submitters: PubMed 17452773; PubMed 17460694.

NM_001113378.2(FANCI):c.2861_2862del (p.Arg954fs)

Gene: FANCI (FA complementation group I; plus strand). Cytogenetic location: 15q26.1.
Variant type: Microsatellite.
Coding change: c.2861_2862del on transcript NM_001113378.2 (MANE Select); coding-DNA positions 2861 to 2862, 2 bases deleted (GA; older notation c.2861_2862delGA).
Protein change: p.Arg954fs; shifts the reading frame from arginine 954.
Molecular consequence: frameshift variant.
Genome position (GRCh38, 1-based): chr15:89,300,357-89,300,358, GA deleted; deleting any 2 consecutive bases within chr15:89,300,354-89,300,358 gives the same sequence; the c. name uses the placement nearest the transcript's 3' end. VCF-style (leftmost placement, unchanged base first): chr15-89300353-CAG-C. GRCh37 (hg19) VCF-style: chr15-89843584-CAG-C.
Other names: c.2582_2583del, p.Arg861fs (NM_001376910.1); c.2861_2862del, p.Arg954fs (NM_001376911.1); c.2681_2682del, p.Arg894fs (NM_018193.3); short protein forms R894fs, R954fs, R861fs.
Identifiers: ClinVar variation 2186543 (VCV002186543.4), dbSNP rs2507879973, ClinGen allele CA972576710.
Genomic context (GRCh38, chr15:89,300,353, plus strand): 5'-TTCCTAGATGTCACAGATAAGGAAGGAGAAGAGAGAGAAGATGCAGATGTCAGTGTCACT[CAG>C]AGAACAGCATTCCAGATCCGGCAATTTCAGGTGAGAAGCCTTGCAAAGCTGCTGTACTGG-3'